The following is an entry in ClinVar:

ClinVar aggregate classification (germline): Uncertain significance (1 of 4 stars; one submission).

Allele frequency attached by ClinVar (database versions not stated): gnomAD exomes 0.00001.

Submission:

Labcorp Genetics (formerly Invitae), Labcorp
Classification: Uncertain significance. Last evaluated: 2022-06-27. Review status: criteria provided, single submitter. Criteria: Invitae Variant Classification Sherloc (09022015). Collection method: clinical testing. Allele origin: germline.
Comment: This variant is not present in population databases (gnomAD no frequency). In summary, the available evidence is currently insufficient to determine the role of this variant in disease. Therefore, it has been classified as a Variant of Uncertain Significance. Algorithms developed to predict the effect of missense changes on protein structure and function are either unavailable or do not agree on the potential impact of this missense change (SIFT: "Deleterious"; PolyPhen-2: "Benign"; Align-GVGD: "Class C0"). This variant has not been reported in the literature in individuals affected with COQ2-related conditions. This sequence change replaces arginine, which is basic and polar, with lysine, which is basic and polar, at codon 22 of the COQ2 protein (p.Arg22Lys).

NC_000004.12:g.83284850C>T

Genes: COQ2 (coenzyme Q2, polyprenyltransferase; minus strand), LOC112997540 (Sharpr-MPRA regulatory region 13773; plus strand). Cytogenetic location: 4q21.23.
Variant type: single nucleotide variant.
Molecular consequence: missense variant (on NM_015697.9).
Genome position: GRCh38 VCF-style: chr4-83284850-C-T. GRCh37 (hg19) VCF-style: chr4-84206003-C-T.
Other names: c.65G>A, p.Arg22Lys (NM_015697.9); short protein forms R22K.
Identifiers: ClinVar variation 1443095 (VCV001443095.7), dbSNP rs2126177290, ClinGen allele CA357231489.